The following is an entry in ClinVar:

ClinVar aggregate classification (germline): Likely pathogenic. Review status: criteria provided, multiple submitters, no conflicts (2 of 4 stars). 2 submissions from 2 submitters: Likely pathogenic (2). Last evaluated 2024-01-27.

Conditions:
Autosomal recessive nonsyndromic hearing loss 4 (DFNB4). Also called: FOXI1-Related Pendred Syndrome; KCNJ10-Related Pendred Syndrome; Nonsyndromic enlarged vestibular aqueduct (NSEVA); Deafness, autosomal recessive 4; Enlarged vestibular aqueduct, digenic; NEUROSENSORY NONSYNDROMIC RECESSIVE DEAFNESS 4. Identifiers: Orphanet 90636, MedGen C3538946, MONDO:0010933, OMIM 600791.
Pendred syndrome (PDS). Also called: THYROID DYSHORMONOGENESIS 2B; THYROID HORMONOGENESIS, GENETIC DEFECT IN, 2B; Pendred Syndrome (PDS); DEAFNESS WITH GOITER; GOITER-DEAFNESS SYNDROME; HYPOTHYROIDISM, CONGENITAL, DUE TO DYSHORMONOGENESIS, 2B. Identifiers: Orphanet 705, MedGen C0271829, MONDO:0010134, OMIM 274600.

Submissions (2):

Baylor Genetics
Classification: Likely pathogenic for Autosomal recessive nonsyndromic hearing loss 4. Last evaluated: 2024-01-27. Review status: criteria provided, single submitter. Criteria: ACMG Guidelines, 2015. Collection method: clinical testing. Allele origin: unknown.

3billion
Classification: Likely pathogenic for Pendred syndrome. Last evaluated: 2022-09-01. Review status: criteria provided, single submitter. Criteria: ACMG Guidelines, 2015. Collection method: clinical testing. Allele origin: germline. Affected: yes. Observed: 1 heterozygote.
Comment: The variant is not observed in the gnomAD v2.1.1 dataset. In silico tool predictions suggest damaging effect of the variant on gene or gene product (REVEL: 0.98; 3Cnet: 0.93). Same nucleotide change resulting in same amino acid change has been previously reported to be associated with SLC26A4-related disorder (PMID: 25372295). Different missense changes at the same codon (p.Gly116Asp, p.Gly116Val) have been reported as pathogenic/likely pathogenic with strong evidence (ClinVar ID: VCV001297681 , VCV001346580). Therefore, this variant is classified as Likely pathogenic according to the recommendation of ACMG/AMP guideline.

Literature cited by the submitters: PubMed 25372295 (cited by 3billion).

NM_000441.2(SLC26A4):c.346G>A (p.Gly116Ser)

Gene: SLC26A4 (solute carrier family 26 member 4; plus strand). Cytogenetic location: 7q22.3.
Variant type: single nucleotide variant.
Coding change: c.346G>A on transcript NM_000441.2 (MANE Select); coding-DNA position 346, G replaced by A.
Protein change: p.Gly116Ser; replaces glycine 116 with serine.
Molecular consequence: missense variant.
Genome position (GRCh38, 1-based): chr7:107,672,179, G>A. VCF-style: chr7-107672179-G-A. GRCh37 (hg19) VCF-style: chr7-107312624-G-A.
Other names: short protein forms G116S.
Identifiers: ClinVar variation 1705440 (VCV001705440.2), dbSNP rs2535293661, ClinGen allele CA368847037.
Genomic context (GRCh38, chr7:107,672,179, plus strand): 5'-ACTTTGCATGTGCTTTCAGGGATGGCATATGCCCTACTAGCTGCAGTTCCTGTCGGATAT[G>A]GTCTCTACTCTGCTTTTTTCCCTATCCTGACATACTTTATCTTTGGAACATCAAGACATA-3'
Protein context (NP_000432.1, residues 106-126): ALLAAVPVGY[Gly116Ser]LYSAFFPILT